The following is an entry in ClinVar:

NM_018941.4(CLN8):c.20G>C (p.Gly7Ala)

Gene: CLN8 (CLN8 transmembrane ER and ERGIC protein; plus strand). Cytogenetic location: 8p23.3.
Variant type: single nucleotide variant.
Coding change: c.20G>C on transcript NM_018941.4 (MANE Select); coding-DNA position 20, G replaced by C.
Protein change: p.Gly7Ala; replaces glycine 7 with alanine.
Molecular consequence: missense variant.
Genome position (GRCh38, 1-based): chr8:1,771,074, G>C. VCF-style: chr8-1771074-G-C. GRCh37 (hg19) VCF-style: chr8-1719240-G-C.
Other names: short protein forms G7A.
Identifiers: ClinVar variation 2009501 (VCV002009501.2), dbSNP rs1801278049, ClinGen allele CA369952719.

ClinVar aggregate classification (germline): Uncertain significance (1 of 4 stars; one submission).

Conditions:
Neuronal ceroid lipofuscinosis. Also called: Neuronal Ceroid Lipofuscinoses. Identifiers: Orphanet 216, Orphanet 79263, MedGen C0027877, MONDO:0016295. Disease mechanism: loss of function.

Allele frequency attached by ClinVar (database versions not stated): TOPMed below 0.00001; gnomAD 0.00001; gnomAD exomes 0.00001.
gnomAD v4.1: 9 of 1,613,914 alleles (0.00056%); highest among the groups gnomAD compares: Non-Finnish European, 0.00076%; no homozygotes.

Submission:

Labcorp Genetics (formerly Invitae), Labcorp
Classification: Uncertain significance for Neuronal ceroid lipofuscinosis. Last evaluated: 2023-08-10. Review status: criteria provided, single submitter. Criteria: Invitae Variant Classification Sherloc (09022015). Collection method: clinical testing. Allele origin: germline.
Comment: In summary, the available evidence is currently insufficient to determine the role of this variant in disease. Therefore, it has been classified as a Variant of Uncertain Significance. Advanced modeling of protein sequence and biophysical properties (such as structural, functional, and spatial information, amino acid conservation, physicochemical variation, residue mobility, and thermodynamic stability) has been performed at Invitae for this missense variant, however the output from this modeling did not meet the statistical confidence thresholds required to predict the impact of this variant on CLN8 protein function. ClinVar contains an entry for this variant (Variation ID: 2009501). This variant has not been reported in the literature in individuals affected with CLN8-related conditions. This variant is not present in population databases (gnomAD no frequency). This sequence change replaces glycine, which is neutral and non-polar, with alanine, which is neutral and non-polar, at codon 7 of the CLN8 protein (p.Gly7Ala).